The following is an entry in ClinVar:

ClinVar aggregate classification (germline): Likely benign. Review status: criteria provided, multiple submitters, no conflicts (2 of 4 stars). 2 submissions from 2 submitters: Likely benign (2). Last evaluated 2026-01-24.

Allele frequency attached by ClinVar (database versions not stated): gnomAD exomes 0.00003; ESP Exome Variant Server 0.00008; gnomAD 0.00013.

Submissions (2):

Labcorp Genetics (formerly Invitae), Labcorp
Classification: Likely benign. Last evaluated: 2026-01-24. Review status: criteria provided, single submitter. Criteria: Invitae Variant Classification Sherloc (09022015). Collection method: clinical testing. Allele origin: germline.

Mayo Clinic Laboratories, Mayo Clinic
Classification: Likely benign. Last evaluated: 2025-09-30. Review status: criteria provided, single submitter. Criteria: ACMG Guidelines, 2015. Collection method: clinical testing. Allele origin: germline. Observed: 1 variant allele.
Comment: BP4, BP7

NM_014239.4(EIF2B2):c.434-10G>A

Gene: EIF2B2 (eukaryotic translation initiation factor 2B subunit beta; plus strand). Cytogenetic location: 14q24.3.
Variant type: single nucleotide variant.
Coding change: c.434-10G>A on transcript NM_014239.4 (MANE Select); 10 bases into the intron before coding-DNA position 434, G replaced by A.
Molecular consequence: intron variant.
Genome position (GRCh38, 1-based): chr14:75,004,727, G>A. VCF-style: chr14-75004727-G-A. GRCh37 (hg19) VCF-style: chr14-75471430-G-A.
Other names: p.?.
Identifiers: ClinVar variation 2064241 (VCV002064241.5), dbSNP rs376803283, ClinGen allele CA7274950.